The following is an entry in ClinVar:

ClinVar aggregate classification (germline): Uncertain significance. Review status: criteria provided, multiple submitters, no conflicts (2 of 4 stars). 8 submissions from 8 submitters: Uncertain significance (7). 1 of the submissions does not count toward it. Last evaluated 2025-06-27.

Conditions:
ATM-related disorder. Also called: ATM-related disorders; ATM-related condition.
Hereditary cancer-predisposing syndrome. Also called: Tumor predisposition; Hereditary Cancer Syndrome; Neoplastic Syndromes, Hereditary; Hereditary neoplastic syndrome. Identifiers: Orphanet 140162, MedGen C0027672, MeSH D009386, MONDO:0015356.
Familial cancer of breast. Also called: Hereditary breast cancer; BREAST CANCER, FAMILIAL; hereditary breast carcinoma. Identifiers: Orphanet 227535, MedGen C0346153, MONDO:0016419, OMIM 114480. Disease mechanism: loss of function.
Ataxia-telangiectasia syndrome (AT). Also called: Cerebello-oculocutaneous telangiectasia; Immunodeficiency with ataxia telangiectasia; Ataxia telangiectasia (A-T); LOUIS-BAR SYNDROME; ATAXIA-TELANGIECTASIA, COMPLEMENTATION GROUP A; ATAXIA-TELANGIECTASIA, FRESNO VARIANT. Identifiers: Orphanet 100, MedGen C0004135, MONDO:0008840, OMIM 208900.

Allele frequency attached by ClinVar (database versions not stated): gnomAD exomes below 0.00001 and 0.00001; ExAC 0.00001; TOPMed 0.00002; gnomAD 0.00003.
gnomAD v4.1: 25 of 1,613,164 alleles (0.0015%); highest among the groups gnomAD compares: Non-Finnish European, 0.002%; no homozygotes.

Submissions (8):

Women's Health and Genetics/Laboratory Corporation of America, LabCorp
Classification: Uncertain significance. Last evaluated: 2025-06-27. Review status: criteria provided, single submitter. Criteria: LabCorp Variant Classification Summary - May 2015. Collection method: clinical testing. Allele origin: germline.
Comment: Variant summary: ATM c.4505G>T (p.Cys1502Phe) results in a non-conservative amino acid change in the encoded protein sequence. Algorithms developed to predict the effect of missense changes on protein structure and function are either unavailable or do not agree on the potential impact of this missense change. The variant allele was found at a frequency of 4e-06 in 251326 control chromosomes. The available data on variant occurrences in the general population are insufficient to allow any conclusion about variant significance. c.4505G>T has been observed in individual(s) affected with Breast Cancer (Hauke_2018). These report(s) do not provide unequivocal conclusions about association of the variant with Breast Cancer. To our knowledge, no experimental evidence demonstrating an impact on protein function has been reported. The following publication have been ascertained in the context of this evaluation (PMID: 29522266). ClinVar contains an entry for this variant (Variation ID: 216217). Based on the evidence outlined above, the variant was classified as uncertain significance.

Labcorp Genetics (formerly Invitae), Labcorp
Classification: Uncertain significance for Ataxia-telangiectasia syndrome. Last evaluated: 2024-10-28. Review status: criteria provided, single submitter. Criteria: Invitae Variant Classification Sherloc (09022015). Collection method: clinical testing. Allele origin: germline.
Comment: This sequence change replaces cysteine, which is neutral and slightly polar, with phenylalanine, which is neutral and non-polar, at codon 1502 of the ATM protein (p.Cys1502Phe). This variant is not present in population databases (gnomAD no frequency). This variant has not been reported in the literature in individuals affected with ATM-related conditions. ClinVar contains an entry for this variant (Variation ID: 216217). Invitae Evidence Modeling of protein sequence and biophysical properties (such as structural, functional, and spatial information, amino acid conservation, physicochemical variation, residue mobility, and thermodynamic stability) has been performed for this missense variant. However, the output from this modeling did not meet the statistical confidence thresholds required to predict the impact of this variant on ATM protein function. In summary, the available evidence is currently insufficient to determine the role of this variant in disease. Therefore, it has been classified as a Variant of Uncertain Significance.

Ambry Genetics
Classification: Uncertain significance for Hereditary cancer-predisposing syndrome. Last evaluated: 2024-10-26. Review status: criteria provided, single submitter. Criteria: Ambry Variant Classification Scheme 2023. Collection method: clinical testing. Allele origin: germline.
Comment: The p.C1502F variant (also known as c.4505G>T), located in coding exon 29 of the ATM gene, results from a G to T substitution at nucleotide position 4505. The cysteine at codon 1502 is replaced by phenylalanine, an amino acid with highly dissimilar properties. This variant was identified in 1/1358 non-cancer control individuals in a study looking at cancer predisposition mutations in patients with cutaneous melanoma and a history of at least two additional non-cutaneous melanoma primary cancers (Pritchard AL et al. PLoS ONE, 2018 Apr;13:e0194098). This variant has also been reported in at least one subject in a study of 13087 breast cancer cases and 5488 control individuals in the UK (Decker B et al. J. Med. Genet., 2017 11;54:732-741) as well as in 2/5589 German BRCA1/2-negative probands with breast cancer (Hauke J et al. Cancer Med 2018 04;7(4):1349-1358). This amino acid position is highly conserved in available vertebrate species. In addition, this alteration is predicted to be deleterious by in silico analysis. Based on the available evidence, the clinical significance of this variant remains unclear.

Institute of Immunology and Genetics Kaiserslautern
Classification: Uncertain significance for Familial cancer of breast; Ataxia-telangiectasia syndrome. Last evaluated: 2024-09-17. Review status: criteria provided, single submitter. Criteria: ACMG Guidelines, 2015. Collection method: clinical testing. Allele origin: germline. Affected: yes.
Comment: ACMG Criteria: PM2_P, PP3; Variant was found in heterozygous state.

Color Diagnostics, LLC DBA Color Health
Classification: Uncertain significance for Hereditary cancer-predisposing syndrome. Last evaluated: 2024-05-24. Review status: criteria provided, single submitter. Criteria: ACMG Guidelines, 2015. Collection method: clinical testing. Allele origin: germline.
Comment: This missense variant replaces cysteine with phenylalanine at codon 1502 of the ATM protein. Computational prediction suggests that this variant may have deleterious impact on protein structure and function. To our knowledge, functional studies have not been reported for this variant. This variant has been reported in individuals affected with breast cancer (PMID: 28779002, 33471991). In an international breast cancer case-control meta-analysis, this variant was detected in 5/60466 cases and 2/53461 unaffected controls (PMID: 33471991). This variant has been identified in 1/251326 chromosomes in the general population by the Genome Aggregation Database (gnomAD). The available evidence is insufficient to determine the role of this variant in disease conclusively. Therefore, this variant is classified as a Variant of Uncertain Significance.

PreventionGenetics, part of Exact Sciences
Classification: Uncertain significance for ATM-related condition. Last evaluated: 2022-11-21. Review status: criteria provided, single submitter. Criteria: ACMG Guidelines, 2015. Collection method: clinical testing. Allele origin: germline.
Comment: The ATM c.4505G>T variant is predicted to result in the amino acid substitution p.Cys1502Phe. This variant has been reported in individuals with breast cancer (Table S5, Decker B et al 2017. PubMed ID: 28779002; Table S2, Hauke et al. 2018. PubMed ID: 29522266) . This variant has also been reported in a control individual in a melanoma case-control study (Table S3, Pritchard AL et al 2018. PubMed ID: 29641532). This variant is reported in 0.00088% of alleles in individuals of European (Non-Finnish) descent in gnomAD and is interpreted as uncertain significance in ClinVar. At this time, the clinical significance of this variant is uncertain due to the absence of conclusive functional and genetic evidence.

GeneDx
Classification: Uncertain significance. Last evaluated: 2021-05-03. Review status: criteria provided, single submitter. Criteria: GeneDx Variant Classification Process June 2021. Collection method: clinical testing. Allele origin: germline. Affected: yes.
Comment: Not observed at a significant frequency in large population cohorts (Lek et al., 2016); In silico analysis supports that this missense variant has a deleterious effect on protein structure/function; Identified in individuals with breast cancer as well as a control individual in a melanoma case-control study (Decker 2017, Hauke 2018, Engel 2018, Pritchard 2018); This variant is associated with the following publications: (PMID: 29641532, 29514593, 29522266, 28779002)

Natera, Inc.
Classification: Uncertain significance for Ataxia-telangiectasia. Last evaluated: 2020-09-16. Review status: no assertion criteria provided. Collection method: clinical testing. Allele origin: germline. Not counted in ClinVar's aggregate classification.

Literature cited by the submitters: PubMed 29522266 (cited by Women's Health and Genetics/Laboratory Corporation of America, LabCorp); PubMed 28779002 (cited by Ambry Genetics and Color Diagnostics, LLC DBA Color Health); PubMed 29641532 (cited by Ambry Genetics); PubMed 33471991 (cited by Color Diagnostics, LLC DBA Color Health).

NM_000051.4(ATM):c.4505G>T (p.Cys1502Phe)

Gene: ATM (ATM serine/threonine kinase; plus strand). Cytogenetic location: 11q22.3.
Variant type: single nucleotide variant.
Coding change: c.4505G>T on transcript NM_000051.4 (MANE Select); coding-DNA position 4505, G replaced by T.
Protein change: p.Cys1502Phe; replaces cysteine 1502 with phenylalanine.
Molecular consequence: missense variant.
Genome position (GRCh38, 1-based): chr11:108,292,687, G>T. VCF-style: chr11-108292687-G-T. GRCh37 (hg19) VCF-style: chr11-108163414-G-T.
Other names: c.4505G>T, p.Cys1502Phe (NM_001351834.2); short protein forms C1502F.
Identifiers: ClinVar variation 216217 (VCV000216217.24), dbSNP rs759340881, ClinGen allele CA338957.